The following is an entry in ClinVar:

NM_000264.5(PTCH1):c.1010G>A (p.Trp337Ter)

Gene: PTCH1 (patched 1; minus strand). Cytogenetic location: 9q22.32.
Variant type: single nucleotide variant.
Coding change: c.1010G>A on transcript NM_000264.5 (MANE Select); coding-DNA position 1010, G replaced by A.
Protein change: p.Trp337Ter; replaces tryptophan 337 with a stop codon.
Molecular consequence: nonsense. On other transcripts: non-coding transcript variant (1).
Genome position (GRCh38, 1-based): chr9:95,480,026, C>T on the plus strand (G>A on the coding strand, the complement: PTCH1 is on the minus strand). VCF-style: chr9-95480026-C-T. GRCh37 (hg19) VCF-style: chr9-98242308-C-T.
Other names: c.812G>A, p.Trp271Ter (NM_001083602.3); c.1007G>A, p.Trp336Ter (NM_001083603.3); c.557G>A, p.Trp186Ter (NM_001083604.3, NM_001083605.3, NM_001083606.3 and 1 more transcripts); c.1010G>A, p.Trp337Ter (NM_001354918.2); short protein forms W271*, W186*, W337*, W336*.
Identifiers: ClinVar variation 2850558 (VCV002850558.4), dbSNP rs2118391725, ClinGen allele CA374119679.

ClinVar aggregate classification (germline): Pathogenic. Review status: criteria provided, multiple submitters, no conflicts (2 of 4 stars). 2 submissions from 2 submitters: Pathogenic (2). Last evaluated 2024-09-04.

Conditions:
Gorlin syndrome. Also called: Nevoid Basal Cell Carcinoma Syndrome; Basal cell nevus syndrome. Identifiers: Orphanet 377, MedGen C0004779, MONDO:0007187.
Hereditary cancer-predisposing syndrome. Also called: Hereditary Cancer Syndrome; Hereditary neoplastic syndrome; Neoplastic Syndromes, Hereditary; Tumor predisposition. Identifiers: Orphanet 140162, MedGen C0027672, MeSH D009386, MONDO:0015356.

Submissions (2):

Ambry Genetics
Classification: Pathogenic for Hereditary cancer-predisposing syndrome. Last evaluated: 2024-09-04. Review status: criteria provided, single submitter. Criteria: Ambry Variant Classification Scheme 2023. Collection method: clinical testing. Allele origin: germline.
Comment: The p.W337* pathogenic mutation (also known as c.1010G>A), located in coding exon 7 of the PTCH1 gene, results from a G to A substitution at nucleotide position 1010. This changes the amino acid from a tryptophan to a stop codon within coding exon 7. This variant has been observed in at least one individual with a personal and/or family history that is consistent with Nevoid basal cell carcinoma syndrome( (NBCCS) Ambry internal data). Another truncating alteration at this amino acid position, p.W337* (c.1011G>A), has been reported in an individual who met clinical criteria for NBCCS (Alonso N et al. Br J Dermatol, 2018 Jan;178:198-206). This variant is considered to be rare based on population cohorts in the Genome Aggregation Database (gnomAD). In addition to the clinical data presented in the literature, this alteration is expected to result in loss of function by premature protein truncation or nonsense-mediated mRNA decay. As such, this alteration is interpreted as a disease-causing mutation.

Labcorp Genetics (formerly Invitae), Labcorp
Classification: Pathogenic for Gorlin syndrome. Last evaluated: 2023-04-12. Review status: criteria provided, single submitter. Criteria: Invitae Variant Classification Sherloc (09022015). Collection method: clinical testing. Allele origin: germline.
Comment: This sequence change creates a premature translational stop signal (p.Trp337*) in the PTCH1 gene. It is expected to result in an absent or disrupted protein product. Loss-of-function variants in PTCH1 are known to be pathogenic (PMID: 16301862, 16419085). This variant is not present in population databases (gnomAD no frequency). This premature translational stop signal has been observed in individual(s) with clinical features of basal cell nevus syndrome (PMID: 28733979). For these reasons, this variant has been classified as Pathogenic.

Literature cited by the submitters: PubMed 28733979 (cited by Ambry Genetics and Labcorp Genetics (formerly Invitae), Labcorp); PubMed 16301862 (cited by Labcorp Genetics (formerly Invitae), Labcorp); PubMed 16419085 (cited by Labcorp Genetics (formerly Invitae), Labcorp).